The following is an entry in ClinVar:

ClinVar aggregate classification (germline): Uncertain significance (1 of 4 stars; one submission).

Conditions:
Familial cold autoinflammatory syndrome 2 (FCAS2). Identifiers: Orphanet 247868, MedGen C2673198, MONDO:0012724, OMIM 611762.

Allele frequency attached by ClinVar (database versions not stated): gnomAD 0.00001.
gnomAD v4.1: 4 of 1,613,990 alleles (0.00025%); highest among the groups gnomAD compares: East Asian, 0.0022%; no homozygotes.

Submission:

Labcorp Genetics (formerly Invitae), Labcorp
Classification: Uncertain significance for Familial cold autoinflammatory syndrome 2. Last evaluated: 2023-04-25. Review status: criteria provided, single submitter. Criteria: Invitae Variant Classification Sherloc (09022015). Collection method: clinical testing. Allele origin: germline.
Comment: This sequence change replaces leucine, which is neutral and non-polar, with proline, which is neutral and non-polar, at codon 946 of the NLRP12 protein (p.Leu946Pro). This variant is present in population databases (no rsID available, gnomAD 0.01%). This variant has not been reported in the literature in individuals affected with NLRP12-related conditions. An algorithm developed to predict the effect of missense changes on protein structure and function (PolyPhen-2) suggests that this variant is likely to be disruptive. In summary, the available evidence is currently insufficient to determine the role of this variant in disease. Therefore, it has been classified as a Variant of Uncertain Significance.

NM_144687.4(NLRP12):c.2837T>C (p.Leu946Pro)

Gene: NLRP12 (NLR family pyrin domain containing 12; minus strand). Cytogenetic location: 19q13.42.
Variant type: single nucleotide variant.
Coding change: c.2837T>C on transcript NM_144687.4 (MANE Select); coding-DNA position 2837, T replaced by C.
Protein change: p.Leu946Pro; replaces leucine 946 with proline.
Molecular consequence: missense variant. On other transcripts: intron variant (1).
Genome position (GRCh38, 1-based): chr19:53,798,333, A>G on the plus strand (T>C on the coding strand, the complement: NLRP12 is on the minus strand). VCF-style: chr19-53798333-A-G. GRCh37 (hg19) VCF-style: chr19-54301587-A-G.
Other names: c.2840T>C, p.Leu947Pro (NM_001277126.2); c.2757-2304T>C (NM_001277129.1); short protein forms L946P, L947P.
Identifiers: ClinVar variation 2957889 (VCV002957889.3), dbSNP rs1021523642, ClinGen allele CA407407894.